The following is an entry in ClinVar:

ClinVar aggregate classification (germline): Uncertain significance. Review status: criteria provided, multiple submitters, no conflicts (2 of 4 stars). 6 submissions from 6 submitters: Uncertain significance (6). Last evaluated 2025-05-21.

Conditions:
Autosomal recessive ataxia, Beauce type. Also called: Spinocerebellar ataxia, autosomal recessive 8; SYNE1 Deficiency; ATAXIA, RECESSIVE, OF BEAUCE; SYNE1-Related Autosomal Recessive Cerebellar Ataxia. Identifiers: Orphanet 88644, MedGen C1853116, MONDO:0012549, OMIM 610743.
Emery-Dreifuss muscular dystrophy 4, autosomal dominant (EDMD4). Also called: EMERY-DREIFUSS MUSCULAR DYSTROPHY 4 WITH VARIABLE FEATURES. Identifiers: Orphanet 261, MedGen C2751807, MONDO:0013071, OMIM 612998.

Allele frequency attached by ClinVar (database versions not stated): ExAC 0.00002; gnomAD exomes 0.00004; TOPMed 0.00006; gnomAD 0.00007 and 0.00008; ESP Exome Variant Server 0.00008.
gnomAD v4.1: 127 of 1,614,060 alleles (0.0079%); highest among the groups gnomAD compares: East Asian, 0.011%; no homozygotes.

Submissions (6):

GeneDx
Classification: Uncertain significance. Last evaluated: 2025-05-21. Review status: criteria provided, single submitter. Criteria: GeneDx Variant Classification Process June 2021. Collection method: clinical testing. Allele origin: germline. Affected: yes.
Comment: In silico analysis supports that this missense variant has a deleterious effect on protein structure/function; Has not been previously published as pathogenic or benign to our knowledge

CeGaT Center for Human Genetics Tuebingen
Classification: Uncertain significance. Last evaluated: 2023-10-01. Review status: criteria provided, single submitter. Criteria: CeGaT Center For Human Genetics Tuebingen Variant Classification Criteria Version 2. Collection method: clinical testing. Allele origin: germline. Affected: yes. Observed: 1 variant allele.
Comment: SYNE1: PM2, BP4

Revvity Omics, Revvity
Classification: Uncertain significance. Last evaluated: 2023-01-22. Review status: criteria provided, single submitter. Criteria: ACMG Guidelines, 2015. Collection method: clinical testing. Allele origin: germline.

Labcorp Genetics (formerly Invitae), Labcorp
Classification: Uncertain significance for Emery-Dreifuss muscular dystrophy 4, autosomal dominant; Autosomal recessive ataxia, Beauce type. Last evaluated: 2022-01-17. Review status: criteria provided, single submitter. Criteria: Invitae Variant Classification Sherloc (09022015). Collection method: clinical testing. Allele origin: germline.
Comment: This sequence change replaces arginine, which is basic and polar, with tryptophan, which is neutral and slightly polar, at codon 5447 of the SYNE1 protein (p.Arg5447Trp). This variant is present in population databases (rs377410590, gnomAD 0.02%). This variant has not been reported in the literature in individuals affected with SYNE1-related conditions. ClinVar contains an entry for this variant (Variation ID: 471003). Algorithms developed to predict the effect of missense changes on protein structure and function (SIFT, PolyPhen-2, Align-GVGD) all suggest that this variant is likely to be disruptive. In summary, the available evidence is currently insufficient to determine the role of this variant in disease. Therefore, it has been classified as a Variant of Uncertain Significance.

Athena Diagnostics
Classification: Uncertain significance. Last evaluated: 2018-10-26. Review status: criteria provided, single submitter. Criteria: Athena Diagnostics Criteria. Collection method: clinical testing. Allele origin: germline.

Baylor Genetics
Classification: Uncertain significance for Emery-Dreifuss muscular dystrophy 4, autosomal dominant. Last evaluated: 2018-02-08. Review status: criteria provided, single submitter. Criteria: ACMG Guidelines, 2015. Collection method: clinical testing. Allele origin: paternal. Affected: yes.
Comment: This variant was determined to be of uncertain significance according to ACMG Guidelines, 2015 [PMID:25741868].

NM_182961.4(SYNE1):c.16552C>T (p.Arg5518Trp)

Gene: SYNE1 (spectrin repeat containing nuclear envelope protein 1; minus strand). Cytogenetic location: 6q25.2.
Variant type: single nucleotide variant.
Coding change: c.16552C>T on transcript NM_182961.4 (MANE Select); coding-DNA position 16552, C replaced by T.
Protein change: p.Arg5518Trp; replaces arginine 5518 with tryptophan.
Molecular consequence: missense variant.
Genome position (GRCh38, 1-based): chr6:152,318,101, G>A on the plus strand (C>T on the coding strand, the complement: SYNE1 is on the minus strand). VCF-style: chr6-152318101-G-A. GRCh37 (hg19) VCF-style: chr6-152639236-G-A.
Other names: c.16339C>T, p.Arg5447Trp (NM_033071.5); short protein forms R5447W, R5518W.
Identifiers: ClinVar variation 471003 (VCV000471003.33), dbSNP rs377410590, ClinGen allele CA4055496.